The following is an entry in ClinVar:

NM_003334.4(UBA1):c.1628T>C (p.Ile543Thr)

Gene: UBA1 (ubiquitin like modifier activating enzyme 1; plus strand). Cytogenetic location: Xp11.3.
Variant type: single nucleotide variant.
Coding change: c.1628T>C on transcript NM_003334.4 (MANE Select); coding-DNA position 1628, T replaced by C.
Protein change: p.Ile543Thr; replaces isoleucine 543 with threonine.
Molecular consequence: missense variant.
Genome position (GRCh38, 1-based): chrX:47,206,000, T>C. VCF-style: chrX-47206000-T-C. GRCh37 (hg19) VCF-style: chrX-47065399-T-C.
Other names: c.1628T>C, p.Ile543Thr (NM_153280.3); short protein forms I543T.
Identifiers: ClinVar variation 3607045 (VCV003607045.2).

ClinVar aggregate classification (germline): Uncertain significance (1 of 4 stars; one submission).

Conditions:
Infantile-onset X-linked spinal muscular atrophy. Also called: Spinal Muscular Atrophy, X-Linked Infantile; Spinal muscular atrophy, X-linked 2; AMC, DISTAL, X-LINKED; ARTHROGRYPOSIS, X-LINKED, TYPE I; SPINAL MUSCULAR ATROPHY, X-LINKED LETHAL INFANTILE. Identifiers: Orphanet 1145, MedGen C1844934, MONDO:0010532, OMIM 301830.

gnomAD v4.1: 1 of 1,204,912 alleles (0.000083%); highest among the groups gnomAD compares: Middle Eastern, 0.023%; no homozygotes.

Submission:

Labcorp Genetics (formerly Invitae), Labcorp
Classification: Uncertain significance for Infantile-onset X-linked spinal muscular atrophy. Last evaluated: 2024-07-23. Review status: criteria provided, single submitter. Criteria: Invitae Variant Classification Sherloc (09022015). Collection method: clinical testing. Allele origin: germline.
Comment: This sequence change replaces isoleucine, which is neutral and non-polar, with threonine, which is neutral and polar, at codon 543 of the UBA1 protein (p.Ile543Thr). This variant is not present in population databases (gnomAD no frequency). This variant has not been reported in the literature in individuals affected with UBA1-related conditions. An algorithm developed to predict the effect of missense changes on protein structure and function (PolyPhen-2) suggests that this variant is likely to be tolerated. In summary, the available evidence is currently insufficient to determine the role of this variant in disease. Therefore, it has been classified as a Variant of Uncertain Significance.